The following is an entry in ClinVar:

NM_003107.3(SOX4):c.267C>G (p.Ile89Met)

Gene: SOX4 (SRY-box transcription factor 4; plus strand). Cytogenetic location: 6p22.3.
Variant type: single nucleotide variant.
Coding change: c.267C>G on transcript NM_003107.3 (MANE Select); coding-DNA position 267, C replaced by G.
Protein change: p.Ile89Met; replaces isoleucine 89 with methionine.
Molecular consequence: missense variant.
Genome position (GRCh38, 1-based): chr6:21,594,801, C>G. VCF-style: chr6-21594801-C-G. GRCh37 (hg19) VCF-style: chr6-21595032-C-G.
Other names: short protein forms I89M.
Identifiers: ClinVar variation 4976609 (VCV004976609.1).

ClinVar aggregate classification (germline): Uncertain significance (1 of 4 stars; one submission).

Submission:

GeneDx
Classification: Uncertain significance. Last evaluated: 2026-02-10. Review status: criteria provided, single submitter. Criteria: GeneDx Variant Classification Process June 2021. Collection method: clinical testing. Allele origin: germline.
Comment: Not observed at significant frequency in large population cohorts (gnomAD); In silico analysis supports that this missense variant has a deleterious effect on protein structure/function; Has not been previously published as pathogenic or benign to our knowledge